The following is an entry in ClinVar:

NM_177924.5(ASAH1):c.620A>T (p.Tyr207Phe)

Gene: ASAH1 (N-acylsphingosine amidohydrolase 1; minus strand). Cytogenetic location: 8p22.
Variant type: single nucleotide variant.
Coding change: c.620A>T on transcript NM_177924.5 (MANE Select); coding-DNA position 620, A replaced by T.
Protein change: p.Tyr207Phe; replaces tyrosine 207 with phenylalanine.
Molecular consequence: missense variant.
Genome position (GRCh38, 1-based): chr8:18,062,307, T>A on the plus strand (A>T on the coding strand, the complement: ASAH1 is on the minus strand). VCF-style: chr8-18062307-T-A. GRCh37 (hg19) VCF-style: chr8-17919816-T-A.
Other names: p.Tyr207Phe; c.602A>T, p.Tyr201Phe (NM_001127505.3); c.425A>T, p.Tyr142Phe (NM_001363743.2); c.668A>T, p.Tyr223Phe (NM_004315.6); short protein forms Y223F, Y207F, Y201F, Y142F.
Identifiers: ClinVar variation 362377 (VCV000362377.27), dbSNP rs150268016, ClinGen allele CA4650766.

ClinVar aggregate classification (germline): Conflicting classifications of pathogenicity. Review status: criteria provided, conflicting classifications (1 of 4 stars). 13 submissions from 13 submitters: Uncertain significance (8); Likely benign (1). 4 of the submissions do not count toward it. Last evaluated 2026-02-18.

Conditions:
Inborn genetic diseases. Identifiers: MedGen C0950123, MeSH D030342.
Farber lipogranulomatosis (FRBRL). Also called: Farber's lipogranulomatosis; Farber's disease; Farber disease; AC DEFICIENCY; ACID CERAMIDASE DEFICIENCY; CERAMIDASE DEFICIENCY. Identifiers: Orphanet 333, MedGen C0268255, MONDO:0009218, OMIM 228000.
ASAH1-related disorders. Also called: ASAH1-related condition; ASAH1-related disorder. Identifiers: MedGen CN376120, MONDO:0800460.
Spinal muscular atrophy-progressive myoclonic epilepsy syndrome. Also called: Spinal Muscular Atrophy with Progressive Myoclonic Epilepsy (SMA-PME); MYOCLONUS, HEREDITARY, WITH PROGRESSIVE DISTAL MUSCULAR ATROPHY; Spinal muscular atrophy with progressive myoclonic epilepsy; Hereditary myoclonus and progressive distal muscular atrophy. Identifiers: Orphanet 2590, MedGen C1834569, MONDO:0008045, OMIM 159950.
Self-limited epilepsy with centrotemporal spikes. Also called: Rolandic epilepsy; Childhood epilepsy with centrotemporal spikes. Identifiers: Orphanet 1945, MedGen C0376532, MONDO:0007295.

Allele frequency attached by ClinVar (database versions not stated): 1000 Genomes Project 30x 0.00031; 1000 Genomes Project 0.00040; gnomAD 0.00049; TOPMed 0.00049; ESP Exome Variant Server 0.00054.
gnomAD v4.1: 1,018 of 1,614,226 alleles (0.063%); highest among the groups gnomAD compares: Non-Finnish European, 0.083%; 2 homozygotes.

Submissions (13):

PreventionGenetics, part of Exact Sciences
Classification: Likely benign for ASAH1-related condition. Last evaluated: 2026-02-18. Review status: criteria provided, single submitter. Criteria: ACMG Guidelines, 2015. Collection method: clinical testing. Allele origin: germline.
Comment: This variant is classified as likely benign based on ACMG/AMP sequence variant interpretation guidelines (Richards et al. 2015 PMID: 25741868, with internal and published modifications).

Mayo Clinic Laboratories, Mayo Clinic
Classification: Uncertain significance. Last evaluated: 2025-09-26. Review status: criteria provided, single submitter. Criteria: ACMG Guidelines, 2015. Collection method: clinical testing. Allele origin: germline. Observed: 4 variant alleles.
Comment: PP3

GeneDx
Classification: Uncertain significance. Last evaluated: 2025-06-09. Review status: criteria provided, single submitter. Criteria: GeneDx Variant Classification Process June 2021. Collection method: clinical testing. Allele origin: germline. Affected: yes.
Comment: In silico analysis supports that this missense variant has a deleterious effect on protein structure/function; Has not been previously published as pathogenic or benign to our knowledge; This variant is associated with the following publications: (PMID: 29140481)

Ambry Genetics
Classification: Uncertain significance for Inborn genetic diseases. Last evaluated: 2025-04-25. Review status: criteria provided, single submitter. Criteria: Ambry Variant Classification Scheme 2023. Collection method: clinical testing. Allele origin: germline.

Blueprint Genetics
Classification: Uncertain significance. Last evaluated: 2024-11-15. Review status: criteria provided, single submitter. Criteria: ACMG Guidelines, 2015. Collection method: clinical testing. Allele origin: germline.

Labcorp Genetics (formerly Invitae), Labcorp
Classification: Uncertain significance. Last evaluated: 2022-10-24. Review status: criteria provided, single submitter. Criteria: Invitae Variant Classification Sherloc (09022015). Collection method: clinical testing. Allele origin: germline.
Comment: This sequence change replaces tyrosine, which is neutral and polar, with phenylalanine, which is neutral and non-polar, at codon 207 of the ASAH1 protein (p.Tyr207Phe). This variant is present in population databases (rs150268016, gnomAD 0.07%). This variant has not been reported in the literature in individuals affected with ASAH1-related conditions. ClinVar contains an entry for this variant (Variation ID: 362377). Advanced modeling of protein sequence and biophysical properties (such as structural, functional, and spatial information, amino acid conservation, physicochemical variation, residue mobility, and thermodynamic stability) performed at Invitae indicates that this missense variant is not expected to disrupt ASAH1 protein function. In summary, the available evidence is currently insufficient to determine the role of this variant in disease. Therefore, it has been classified as a Variant of Uncertain Significance.

ARUP Laboratories, Molecular Genetics and Genomics, ARUP Laboratories
Classification: Uncertain significance. Last evaluated: 2022-09-12. Review status: criteria provided, single submitter. Criteria: ARUP Molecular Germline Variant Investigation Process 2021. Collection method: clinical testing. Allele origin: germline.

Baylor Genetics
Classification: Uncertain significance for Farber lipogranulomatosis. Last evaluated: 2018-12-01. Review status: criteria provided, single submitter. Criteria: ACMG Guidelines, 2015. Collection method: clinical testing. Allele origin: unknown. Affected: yes.
Comment: This variant was determined to be of uncertain significance according to ACMG Guidelines, 2015 [PMID:25741868].

Illumina Laboratory Services, Illumina
Classification: Uncertain significance for Farber lipogranulomatosis. Last evaluated: 2018-01-12. Review status: criteria provided, single submitter. Criteria: ICSL Variant Classification Criteria 13 December 2019. Collection method: clinical testing. Allele origin: germline.

Bioinformatics Core, Luxembourg Center for Systems Biomedicine
Classification: Pathogenic for Self-limited epilepsy with centrotemporal spikes. Last evaluated: 2017-01-01. Review status: no assertion criteria provided. Collection method: case-control. Allele origin: germline. Affected: yes. Study: EUROEPINOMICS COGIE. Not counted in ClinVar's aggregate classification.

Clinical Genetics DNA and cytogenetics Diagnostics Lab, Erasmus MC, Erasmus Medical Center
Classification: Uncertain significance. Review status: no assertion criteria provided. Collection method: clinical testing. Allele origin: germline. Affected: yes. Study: VKGL Data-share Consensus. Not counted in ClinVar's aggregate classification.

Clinical Genetics, Academic Medical Center
Classification: Uncertain significance. Review status: no assertion criteria provided. Collection method: clinical testing. Allele origin: germline. Affected: yes. Study: VKGL Data-share Consensus. Not counted in ClinVar's aggregate classification.

Diagnostic Laboratory, Department of Genetics, University Medical Center Groningen
Classification: Uncertain significance. Review status: no assertion criteria provided. Collection method: clinical testing. Allele origin: germline. Affected: yes. Study: VKGL Data-share Consensus. Not counted in ClinVar's aggregate classification.

Literature cited by the submitters: PubMed 29140481 (cited by Mayo Clinic Laboratories, Mayo Clinic); PubMed 29358611 (cited by Mayo Clinic Laboratories, Mayo Clinic and Bioinformatics Core, Luxembourg Center for Systems Biomedicine).